The following is an entry in ClinVar:

NM_004629.2(FANCG):c.1670C>G (p.Thr557Ser)

Gene: FANCG (FA complementation group G; minus strand). Cytogenetic location: 9p13.3.
Variant type: single nucleotide variant.
Coding change: c.1670C>G on transcript NM_004629.2 (MANE Select); coding-DNA position 1670, C replaced by G.
Protein change: p.Thr557Ser; replaces threonine 557 with serine.
Molecular consequence: missense variant.
Genome position (GRCh38, 1-based): chr9:35,074,461, G>C on the plus strand (C>G on the coding strand, the complement: FANCG is on the minus strand). VCF-style: chr9-35074461-G-C. GRCh37 (hg19) VCF-style: chr9-35074458-G-C.
Other names: short protein forms T557S.
Identifiers: ClinVar variation 4753939 (VCV004753939.2).
Genomic context (GRCh38, chr9:35,074,461, plus strand): 5'-TGGGCCTCCAGCCTCCACCAGAGTGCAGTGGCCTCATCCCTCCGATCTAGCCTCTTCAGA[G>C]TCTGAAGCAGGTGAAAGTAAGTGTCTCGATTACCTGTAGCCCCAGCCCAGAGTACAGAGT-3'
Protein context (NP_004620.1, residues 547-567): NRDTYFHLLQ[Thr557Ser]LKRLDRRDEA

ClinVar aggregate classification (germline): Uncertain significance. Review status: criteria provided, multiple submitters, no conflicts (2 of 4 stars). 2 submissions from 2 submitters: Uncertain significance (2). Last evaluated 2026-05-30.

Conditions:
Fanconi anemia (FA). Also called: Fanconi's anemia. Identifiers: Orphanet 84, MedGen C0015625, MeSH D005199, MONDO:0019391.
Inborn genetic diseases. Identifiers: MedGen C0950123, MeSH D030342.

Submissions (2):

Ambry Genetics
Classification: Uncertain significance for Inborn genetic diseases. Last evaluated: 2026-05-30. Review status: criteria provided, single submitter. Criteria: Ambry Variant Classification Scheme 2023. Collection method: clinical testing. Allele origin: germline.
Comment: The p.T557S variant (also known as c.1670C>G), located in coding exon 13 of the FANCG gene, results from a C to G substitution at nucleotide position 1670. The threonine at codon 557 is replaced by serine, an amino acid with similar properties. This amino acid position is conserved. In addition, this alteration is predicted to be tolerated by in silico analysis. Based on the available evidence, the clinical significance of this variant remains unclear.

Labcorp Genetics (formerly Invitae), Labcorp
Classification: Uncertain significance for Fanconi anemia. Last evaluated: 2025-05-21. Review status: criteria provided, single submitter. Criteria: Invitae Variant Classification Sherloc (09022015). Collection method: clinical testing. Allele origin: germline.
Comment: This sequence change replaces threonine, which is neutral and polar, with serine, which is neutral and polar, at codon 557 of the FANCG protein (p.Thr557Ser). This variant is not present in population databases (gnomAD no frequency). This variant has not been reported in the literature in individuals affected with FANCG-related conditions. Invitae Evidence Modeling of protein sequence and biophysical properties (such as structural, functional, and spatial information, amino acid conservation, physicochemical variation, residue mobility, and thermodynamic stability) has been performed for this missense variant. However, the output from this modeling did not meet the statistical confidence thresholds required to predict the impact of this variant on FANCG protein function. In summary, the available evidence is currently insufficient to determine the role of this variant in disease. Therefore, it has been classified as a Variant of Uncertain Significance.